The following is an entry in ClinVar:

NM_005477.3(HCN4):c.1254C>T (p.Ile418=)

Gene: HCN4 (hyperpolarization activated cyclic nucleotide gated potassium channel 4; minus strand). Cytogenetic location: 15q24.1.
Variant type: single nucleotide variant.
Coding change: c.1254C>T on transcript NM_005477.3 (MANE Select); coding-DNA position 1254, C replaced by T.
Protein change: p.Ile418=; no amino-acid change (isoleucine 418 retained).
Molecular consequence: synonymous variant.
Genome position (GRCh38, 1-based): chr15:73,332,248, G>A on the plus strand (C>T on the coding strand, the complement: HCN4 is on the minus strand). VCF-style: chr15-73332248-G-A. GRCh37 (hg19) VCF-style: chr15-73624589-G-A.
Identifiers: ClinVar variation 519392 (VCV000519392.27), dbSNP rs373794941, ClinGen allele CA7649336.
Genomic context (GRCh38, chr15:73,332,248, plus strand): 5'-CAGGAACTGCAGGCAGCCGTCCCAGTGGCAGAGCAGGAGCATCATGCCGATGAGGTTCAC[G>A]ATGCGCACCACGGCGCTGGCCAGGTCGTAGGTCATGTGGAAGATCTGCCAGCAGAGGAGG-3'
Protein context (NP_005468.1, residues 408-428): TYDLASAVVR[Ile418=]VNLIGMMLLL

ClinVar aggregate classification (germline): Benign/Likely benign. Review status: criteria provided, multiple submitters, no conflicts (2 of 4 stars). 11 submissions from 11 submitters: Benign (1); Likely benign (6). 4 of the submissions do not count toward it. Last evaluated 2025-12-23.

Conditions:
Cardiovascular phenotype. Identifiers: MedGen CN230736.
Brugada syndrome 8 (BRGDA8). Identifiers: Orphanet 130, MedGen C2751083, MONDO:0013148, OMIM 613123.
HCN4-related disorder. Also called: HCN4-related condition.

Allele frequency attached by ClinVar (database versions not stated): TOPMed 0.00002; ExAC 0.00005; gnomAD 0.00005; gnomAD exomes 0.00006 and 0.00010; ESP Exome Variant Server 0.00008.
gnomAD v4.1: 146 of 1,614,088 alleles (0.009%); highest among the groups gnomAD compares: Non-Finnish European, 0.012%; no homozygotes.

Submissions (11):

Labcorp Genetics (formerly Invitae), Labcorp
Classification: Likely benign for Brugada syndrome 8. Last evaluated: 2025-12-23. Review status: criteria provided, single submitter. Criteria: Invitae Variant Classification Sherloc (09022015). Collection method: clinical testing. Allele origin: germline.

Women's Health and Genetics/Laboratory Corporation of America, LabCorp
Classification: Benign. Last evaluated: 2025-05-12. Review status: criteria provided, single submitter. Criteria: LabCorp Variant Classification Summary - May 2015. Collection method: clinical testing. Allele origin: germline.

Molecular Diagnostic Laboratory for Inherited Cardiovascular Disease, Montreal Heart Institute
Classification: Likely benign. Last evaluated: 2025-04-09. Review status: criteria provided, single submitter. Criteria: ACMG Guidelines, 2015. Collection method: clinical testing. Allele origin: germline. Affected: no.

Laboratory of Genetics, Children's Clinical University Hospital Latvia
Classification: Likely benign. Last evaluated: 2025-02-16. Review status: criteria provided, single submitter. Criteria: ACMG Guidelines, 2015. Collection method: clinical testing. Allele origin: germline. Affected: yes.

Blueprint Genetics
Classification: Likely benign. Last evaluated: 2024-04-04. Review status: criteria provided, single submitter. Criteria: ACMG Guidelines, 2015. Collection method: clinical testing. Allele origin: germline.

GeneDx
Classification: Likely benign. Last evaluated: 2019-05-07. Review status: criteria provided, single submitter. Criteria: GeneDx Variant Classification Process June 2021. Collection method: clinical testing. Allele origin: germline. Affected: yes.

Ambry Genetics
Classification: Likely benign for Cardiovascular phenotype. Last evaluated: 2017-02-20. Review status: criteria provided, single submitter. Criteria: Ambry Variant Classification Scheme 2023. Collection method: clinical testing. Allele origin: germline.

PreventionGenetics, part of Exact Sciences
Classification: Likely benign for HCN4-related condition. Last evaluated: 2019-09-17. Review status: no assertion criteria provided. Collection method: clinical testing. Allele origin: germline. Not counted in ClinVar's aggregate classification.
Comment: This variant is classified as likely benign based on ACMG/AMP sequence variant interpretation guidelines (Richards et al. 2015 PMID: 25741868, with internal and published modifications).

Clinical Genetics DNA and cytogenetics Diagnostics Lab, Erasmus MC, Erasmus Medical Center
Classification: Likely benign. Review status: no assertion criteria provided. Collection method: clinical testing. Allele origin: germline. Affected: yes. Study: VKGL Data-share Consensus. Not counted in ClinVar's aggregate classification.

Clinical Genetics, Academic Medical Center
Classification: Benign. Review status: no assertion criteria provided. Collection method: clinical testing. Allele origin: germline. Affected: yes. Study: VKGL Data-share Consensus. Not counted in ClinVar's aggregate classification.

Diagnostic Laboratory, Department of Genetics, University Medical Center Groningen
Classification: Likely benign. Review status: no assertion criteria provided. Collection method: clinical testing. Allele origin: germline. Affected: yes. Study: VKGL Data-share Consensus. Not counted in ClinVar's aggregate classification.